The following is an entry in ClinVar:

ClinVar aggregate classification (germline): Uncertain significance (1 of 4 stars; one submission).

Allele frequency attached by ClinVar (database versions not stated): gnomAD 0.00001.
gnomAD v4.1: 3 of 1,418,118 alleles (0.00021%); highest among the groups gnomAD compares: African/African-American, 0.0015%; no homozygotes.

Submission:

Labcorp Genetics (formerly Invitae), Labcorp
Classification: Uncertain significance. Last evaluated: 2022-07-18. Review status: criteria provided, single submitter. Criteria: Invitae Variant Classification Sherloc (09022015). Collection method: clinical testing. Allele origin: germline.
Comment: This variant is not present in population databases (gnomAD no frequency). This sequence change replaces arginine, which is basic and polar, with glycine, which is neutral and non-polar, at codon 32 of the GIPC3 protein (p.Arg32Gly). This variant has not been reported in the literature in individuals affected with GIPC3-related conditions. In summary, the available evidence is currently insufficient to determine the role of this variant in disease. Therefore, it has been classified as a Variant of Uncertain Significance. Algorithms developed to predict the effect of missense changes on protein structure and function are either unavailable or do not agree on the potential impact of this missense change (SIFT: "Tolerated"; PolyPhen-2: "Not Available"; Align-GVGD: "Class C0").

NM_133261.3(GIPC3):c.94C>G (p.Arg32Gly)

Gene: GIPC3 (GIPC PDZ domain containing family member 3; plus strand). Cytogenetic location: 19p13.3.
Variant type: single nucleotide variant.
Coding change: c.94C>G on transcript NM_133261.3 (MANE Select); coding-DNA position 94, C replaced by G.
Protein change: p.Arg32Gly; replaces arginine 32 with glycine.
Molecular consequence: missense variant.
Genome position (GRCh38, 1-based): chr19:3,585,691, C>G. VCF-style: chr19-3585691-C-G. GRCh37 (hg19) VCF-style: chr19-3585689-C-G.
Other names: c.94C>G, p.Arg32Gly (NM_001411144.1); short protein forms R32G.
Identifiers: ClinVar variation 1935078 (VCV001935078.5), dbSNP rs1189679517, ClinGen allele CA403359977.